The following is an entry in ClinVar:

ClinVar aggregate classification (germline): Pathogenic (1 of 4 stars; one submission).

Submission:

Labcorp Genetics (formerly Invitae), Labcorp
Classification: Pathogenic. Last evaluated: 2022-07-30. Review status: criteria provided, single submitter. Criteria: Invitae Variant Classification Sherloc (09022015). Collection method: clinical testing. Allele origin: germline.
Comment: This variant is a gross deletion of the genomic region encompassing exon(s) 2-4 of the PRKN gene. This deletion is out-of-frame, and is expected to create a premature termination codon and result in an absent or disrupted protein product. Loss-of-function variants in PRKN are known to be pathogenic (PMID: 10072423, 20301651, 22956510). A similar copy number variant has been observed in individual(s) with early-onset Parkinson's disease (PMID: 10824074, 10939576, 23880019). For these reasons, this variant has been classified as Pathogenic.

Literature cited by the submitters: PubMed 10072423; PubMed 20301651; PubMed 22956510; PubMed 10824074; PubMed 10939576; PubMed 23880019.

NC_000006.11:g.(?_162622143)_(162864525_?)del

Gene: PRKN (parkin RBR E3 ubiquitin protein ligase; minus strand). Cytogenetic location: 6q26.
Variant type: Deletion.
Identifiers: ClinVar variation 1460246 (VCV001460246.2).